The following is an entry in ClinVar:

NM_006445.4(PRPF8):c.3622A>G (p.Thr1208Ala)

Gene: PRPF8 (pre-mRNA processing factor 8; minus strand). Cytogenetic location: 17p13.3.
Variant type: single nucleotide variant.
Coding change: c.3622A>G on transcript NM_006445.4 (MANE Select); coding-DNA position 3622, A replaced by G.
Protein change: p.Thr1208Ala; replaces threonine 1208 with alanine.
Molecular consequence: missense variant.
Genome position (GRCh38, 1-based): chr17:1,673,392, T>C on the plus strand (A>G on the coding strand, the complement: PRPF8 is on the minus strand). VCF-style: chr17-1673392-T-C. GRCh37 (hg19) VCF-style: chr17-1576686-T-C.
Other names: short protein forms T1208A.
Identifiers: ClinVar variation 4741684 (VCV004741684.1).
Genomic context (GRCh38, chr17:1,673,392, plus strand): 5'-ACTCCCAGCCCCGCCCAGGCTGTACCTCATTCTGCAGGTTCCAGACCCCGTCCTTGTGGG[T>C]GAACTCCTCATAGCTGGTGCGGCACTTAGGCAGGATGCGGCACTCGAAGCCACACATGTT-3'
Protein context (NP_006436.3, residues 1198-1218): PKCRTSYEEF[Thr1208Ala]HKDGVWNLQN

ClinVar aggregate classification (germline): Uncertain significance (1 of 4 stars; one submission).

Submission:

Labcorp Genetics (formerly Invitae), Labcorp
Classification: Uncertain significance. Last evaluated: 2025-03-13. Review status: criteria provided, single submitter. Criteria: Invitae Variant Classification Sherloc (09022015). Collection method: clinical testing. Allele origin: germline.
Comment: This sequence change replaces threonine, which is neutral and polar, with alanine, which is neutral and non-polar, at codon 1208 of the PRPF8 protein (p.Thr1208Ala). This variant is not present in population databases (gnomAD no frequency). This variant has not been reported in the literature in individuals affected with PRPF8-related conditions. Invitae Evidence Modeling of protein sequence and biophysical properties (such as structural, functional, and spatial information, amino acid conservation, physicochemical variation, residue mobility, and thermodynamic stability) indicates that this missense variant is not expected to disrupt PRPF8 protein function with a negative predictive value of 80%. In summary, the available evidence is currently insufficient to determine the role of this variant in disease. Therefore, it has been classified as a Variant of Uncertain Significance.